The following is an entry in ClinVar:

NM_001376.5(DYNC1H1):c.13764G>A (p.Thr4588=)

Gene: DYNC1H1 (dynein cytoplasmic 1 heavy chain 1; plus strand). Cytogenetic location: 14q32.31.
Variant type: single nucleotide variant.
Coding change: c.13764G>A on transcript NM_001376.5 (MANE Select); coding-DNA position 13764, G replaced by A.
Protein change: p.Thr4588=; no amino-acid change (threonine 4588 retained).
Molecular consequence: synonymous variant.
Genome position (GRCh38, 1-based): chr14:102,050,150, G>A. VCF-style: chr14-102050150-G-A. GRCh37 (hg19) VCF-style: chr14-102516487-G-A.
Other names: p.Thr4588=.
Identifiers: ClinVar variation 287210 (VCV000287210.55), dbSNP rs35079638, ClinGen allele CA7354352.

ClinVar aggregate classification (germline): Benign/Likely benign. Review status: criteria provided, multiple submitters, no conflicts (2 of 4 stars). 11 submissions from 10 submitters: Benign (4); Likely benign (7). Last evaluated 2026-08-01.

Conditions:
Autosomal dominant cerebellar ataxia. Also called: Spinocerebellar Ataxia, Dominant. Identifiers: Orphanet 99, MedGen C4087347, MONDO:0020380.
Charcot-Marie-Tooth disease. Also called: Charcot-Marie-Tooth Neuropathy; Charcot-Marie-Tooth Hereditary Neuropathy. Identifiers: Orphanet 166, MedGen C0007959, MONDO:0015626.
Charcot-Marie-Tooth disease axonal type 2O. Also called: Charcot-Marie-Tooth Neuropathy Type 2O; Charcot-Marie-Tooth disease, axonal, type 20; CHARCOT-MARIE-TOOTH NEUROPATHY, AXONAL, TYPE 2O; CHARCOT-MARIE-TOOTH DISEASE, AXONAL, AUTOSOMAL DOMINANT, TYPE 2O. Identifiers: Orphanet 284232, MedGen C3280220, MONDO:0013644, OMIM 614228.
Inborn genetic diseases. Identifiers: MedGen C0950123, MeSH D030342.

Allele frequency attached by ClinVar (database versions not stated): ESP Exome Variant Server 0.00077; gnomAD 0.00088 and 0.00094; TOPMed 0.00089; ExAC 0.00097; 1000 Genomes Project 0.00100; gnomAD exomes 0.00104; 1000 Genomes Project 30x 0.00109.

Submissions (11):

CeGaT Center for Human Genetics Tuebingen
Classification: Likely benign. Last evaluated: 2026-08-01. Review status: criteria provided, single submitter. Criteria: CeGaT Center For Human Genetics Tuebingen Variant Classification Criteria Version 2. Collection method: clinical testing. Allele origin: germline. Affected: yes. Observed: 10 variant alleles.
Comment: DYNC1H1: BP4, BP7, BS1

Labcorp Genetics (formerly Invitae), Labcorp
Classification: Benign for Charcot-Marie-Tooth disease axonal type 2O. Last evaluated: 2026-02-03. Review status: criteria provided, single submitter. Criteria: Invitae Variant Classification Sherloc (09022015). Collection method: clinical testing. Allele origin: germline.

Mayo Clinic Laboratories, Mayo Clinic
Classification: Benign. Last evaluated: 2025-03-24. Review status: criteria provided, single submitter. Criteria: ACMG Guidelines, 2015. Collection method: clinical testing. Allele origin: germline. Observed: 5 variant alleles.
Comment: BS1, BS2, BP4, BP7

Blueprint Genetics
Classification: Likely benign. Last evaluated: 2024-11-15. Review status: criteria provided, single submitter. Criteria: ACMG Guidelines, 2015. Collection method: clinical testing. Allele origin: germline.

Illumina Laboratory Services, Illumina
Classification: Benign for Spinocerebellar Ataxia, Dominant. Last evaluated: 2018-01-13. Review status: criteria provided, single submitter. Criteria: ICSL Variant Classification Criteria 13 December 2019. Collection method: clinical testing. Allele origin: germline.
Comment: This variant was observed in the ICSL laboratory as part of a predisposition screen in an ostensibly healthy population. It had not been previously curated by ICSL or reported in the Human Gene Mutation Database (HGMD: prior to June 1st, 2018), and was therefore a candidate for classification through an automated scoring system. Utilizing variant allele frequency, disease prevalence and penetrance estimates, and inheritance mode, an automated score was calculated to assess if this variant is too frequent to cause the disease. Based on the score and internal cut-off values, a variant classified as benign is not then subjected to further curation. The score for this variant resulted in a classification of benign for this disease.

Illumina Laboratory Services, Illumina
Classification: Likely benign for Charcot-Marie-Tooth disease axonal type 2O. Last evaluated: 2018-01-13. Review status: criteria provided, single submitter. Criteria: ICSL Variant Classification Criteria 13 December 2019. Collection method: clinical testing. Allele origin: germline.
Comment: This variant was observed in the ICSL laboratory as part of a predisposition screen in an ostensibly healthy population. It had not been previously curated by ICSL or reported in the Human Gene Mutation Database (HGMD: prior to June 1st, 2018), and was therefore a candidate for classification through an automated scoring system. Utilizing variant allele frequency, disease prevalence and penetrance estimates, and inheritance mode, an automated score was calculated to assess if this variant is too frequent to cause the disease. Based on the score and internal cut-off values, a variant classified as likely benign is not then subjected to further curation. The score for this variant resulted in a classification of likely benign for this disease.

Ambry Genetics
Classification: Likely benign for Inborn genetic diseases. Last evaluated: 2016-08-17. Review status: criteria provided, single submitter. Criteria: Ambry Variant Classification Scheme 2023. Collection method: clinical testing. Allele origin: germline.

Eurofins Ntd Llc (ga)
Classification: Likely benign. Last evaluated: 2016-04-29. Review status: criteria provided, single submitter. Criteria: EGL Classification Definitions 2015. Collection method: clinical testing. Allele origin: germline. Observed: 1 variant allele, 1 heterozygote.

GeneDx
Classification: Benign. Last evaluated: 2015-03-03. Review status: criteria provided, single submitter. Criteria: GeneDx Variant Classification Process June 2021. Collection method: clinical testing. Allele origin: germline. Affected: yes.

Breakthrough Genomics
Classification: Likely benign. Review status: criteria provided, single submitter. Criteria: ACMG Guidelines, 2015. Collection method: not provided. Allele origin: germline. Inheritance: Autosomal dominant inheritance. Affected: yes.

Molecular Genetics Laboratory, London Health Sciences Centre
Classification: Likely benign for Charcot-Marie-Tooth disease. Review status: criteria provided, single submitter. Criteria: ACMG Guidelines, 2015. Collection method: clinical testing. Allele origin: germline. Affected: yes.